The following is an entry in ClinVar:

ClinVar aggregate classification (germline): Benign/Likely benign. Review status: criteria provided, multiple submitters, no conflicts (2 of 4 stars). 3 submissions from 3 submitters: Benign (1); Likely benign (2). Last evaluated 2025-04-21.

Conditions:
Hereditary cancer-predisposing syndrome. Also called: Hereditary Cancer Syndrome; Neoplastic Syndromes, Hereditary; Hereditary neoplastic syndrome; Tumor predisposition. Identifiers: Orphanet 140162, MedGen C0027672, MeSH D009386, MONDO:0015356.
Oligodontia-cancer predisposition syndrome. Also called: TOOTH AGENESIS-COLORECTAL CANCER SYNDROME. Identifiers: Orphanet 300576, MedGen C1837750, MONDO:0012075, OMIM 608615. Disease mechanism: loss of function.

Submissions (3):

Labcorp Genetics (formerly Invitae), Labcorp
Classification: Likely benign for Oligodontia-cancer predisposition syndrome. Last evaluated: 2025-04-21. Review status: criteria provided, single submitter. Criteria: Invitae Variant Classification Sherloc (09022015). Collection method: clinical testing. Allele origin: germline.

Myriad Genetics, Inc.
Classification: Benign for Oligodontia-cancer predisposition syndrome. Last evaluated: 2024-07-08. Review status: criteria provided, single submitter. Criteria: Myriad Autosomal Dominant, Autosomal Recessive and X-Linked Classification Criteria (2023). Collection method: clinical testing. Allele origin: unknown.
Comment: This variant is considered benign. This variant is a silent/synonymous amino acid change and it is not expected to impact splicing.

Ambry Genetics
Classification: Likely benign for Hereditary cancer-predisposing syndrome. Last evaluated: 2021-11-24. Review status: criteria provided, single submitter. Criteria: Ambry Variant Classification Scheme 2023. Collection method: clinical testing. Allele origin: germline.

NM_004655.4(AXIN2):c.1725C>G (p.Gly575=)

Gene: AXIN2 (axin 2; minus strand). Cytogenetic location: 17q24.1.
Variant type: single nucleotide variant.
Coding change: c.1725C>G on transcript NM_004655.4 (MANE Select); coding-DNA position 1725, C replaced by G.
Protein change: p.Gly575=; no amino-acid change (glycine 575 retained).
Molecular consequence: synonymous variant. On other transcripts: intron variant (1).
Genome position (GRCh38, 1-based): chr17:65,537,051, G>C on the plus strand (C>G on the coding strand, the complement: AXIN2 is on the minus strand). VCF-style: chr17-65537051-G-C. GRCh37 (hg19) VCF-style: chr17-63533169-G-C.
Other names: c.1712+273C>G (NM_001363813.1).
Identifiers: ClinVar variation 1140317 (VCV001140317.12), dbSNP rs2043937249, ClinGen allele CA501691217.